The following is an entry in ClinVar:

NM_000392.5(ABCC2):c.-23G>A

Gene: ABCC2 (ATP binding cassette subfamily C member 2; plus strand). Cytogenetic location: 10q24.2.
Variant type: single nucleotide variant.
Coding change: c.-23G>A on transcript NM_000392.5 (MANE Select); 23 bases upstream of the start codon, G replaced by A.
Molecular consequence: 5 prime UTR variant.
Genome position (GRCh38, 1-based): chr10:99,782,822, G>A. VCF-style: chr10-99782822-G-A. GRCh37 (hg19) VCF-style: chr10-101542579-G-A.
Identifiers: ClinVar variation 877756 (VCV000877756.4), dbSNP rs17216156, ClinGen allele CA5642740.

ClinVar aggregate classification (germline): Benign (1 of 4 stars; one submission).

Conditions:
Dubin-Johnson syndrome (DJS). Also called: Jaundice, Chronic Idiopathic; Hyperbilirubinemia type 2; HYPERBILIRUBINEMIA, DUBIN-JOHNSON TYPE. Identifiers: Orphanet 234, MedGen C0022350, MONDO:0009380, OMIM 237500.

Allele frequency attached by ClinVar (database versions not stated): gnomAD exomes 0.00027 and 0.00090; gnomAD 0.00038; TOPMed 0.00049; 1000 Genomes Project 0.00140; 1000 Genomes Project 30x 0.00141.
gnomAD v4.1: 578 of 1,613,500 alleles (0.036%); highest among the groups gnomAD compares: East Asian, 0.82%; 2 homozygotes.

Submission:

Illumina Laboratory Services, Illumina
Classification: Benign for Dubin-Johnson syndrome. Last evaluated: 2017-04-27. Review status: criteria provided, single submitter. Criteria: ICSL Variant Classification Criteria 13 December 2019. Collection method: clinical testing. Allele origin: germline.
Comment: This variant was observed as part of a predisposition screen in an ostensibly healthy population. A literature search was performed for the gene, cDNA change, and amino acid change (where applicable). Publications were found based on this search. The evidence from the literature, in combination with allele frequency data from public databases where available, was sufficient to rule this variant out of causing disease. Therefore, this variant is classified as benign.

Literature cited by the submitters: PubMed 18334920.